The following is an entry in ClinVar:

NM_000432.4(MYL2):c.435C>T (p.Asp145=)

Gene: MYL2 (myosin light chain 2; minus strand). Cytogenetic location: 12q24.11.
Variant type: single nucleotide variant.
Coding change: c.435C>T on transcript NM_000432.4 (MANE Select); coding-DNA position 435, C replaced by T.
Protein change: p.Asp145=; no amino-acid change (aspartic acid 145 retained).
Molecular consequence: synonymous variant.
Genome position (GRCh38, 1-based): chr12:110,911,143, G>A on the plus strand (C>T on the coding strand, the complement: MYL2 is on the minus strand). VCF-style: chr12-110911143-G-A. GRCh37 (hg19) VCF-style: chr12-111348947-G-A.
Identifiers: ClinVar variation 760038 (VCV000760038.15), dbSNP rs766907447, ClinGen allele CA043080.

ClinVar aggregate classification (germline): Likely benign. Review status: criteria provided, multiple submitters, no conflicts (2 of 4 stars). 5 submissions from 5 submitters: Likely benign (5). Last evaluated 2026-06-24.

Conditions:
Hypertrophic cardiomyopathy. Also called: HYPERTROPHIC MYOCARDIOPATHY. Identifiers: Orphanet 217569, MedGen C0007194, MeSH D002312, MONDO:0005045, HP:0001639.
Hypertrophic cardiomyopathy 10. Also called: CARDIOMYOPATHY, HYPERTROPHIC, MID-LEFT VENTRICULAR CHAMBER TYPE, 2; MYL2-Related Familial Hypertrophic Cardiomyopathy. Identifiers: MedGen C1834460, MONDO:0012112, OMIM 608758.
MYL2-related disorder. Also called: MYL2-related disorders; MYL2-related condition; MYL2-related disease.
Cardiovascular phenotype. Identifiers: MedGen CN230736.
Cardiomyopathy (CMYO). Also called: Cardiomyopathies. Identifiers: Orphanet 167848, MedGen C0878544, MONDO:0004994, HP:0001638. Inheritance: Various modes of inheritance.

Allele frequency attached by ClinVar (database versions not stated): gnomAD exomes 0.00001 and 0.00002; ExAC 0.00003; gnomAD below 0.00001 and 0.00001; TOPMed below 0.00001.

Submissions (5):

PreventionGenetics, part of Exact Sciences
Classification: Likely benign for MYL2-related condition. Last evaluated: 2026-06-24. Review status: criteria provided, single submitter. Criteria: ACMG Guidelines, 2015. Collection method: clinical testing. Allele origin: germline.
Comment: This variant is classified as likely benign based on ACMG/AMP sequence variant interpretation guidelines (Richards et al. 2015 PMID: 25741868, with internal and published modifications).

Labcorp Genetics (formerly Invitae), Labcorp
Classification: Likely benign for Hypertrophic cardiomyopathy 10. Last evaluated: 2025-07-08. Review status: criteria provided, single submitter. Criteria: Invitae Variant Classification Sherloc (09022015). Collection method: clinical testing. Allele origin: germline.

All of Us Research Program, National Institutes of Health
Classification: Likely benign for Hypertrophic cardiomyopathy. Last evaluated: 2023-12-13. Review status: criteria provided, single submitter. Criteria: ACMG Guidelines, 2015. Collection method: clinical testing. Allele origin: germline. Inheritance: Autosomal dominant inheritance. Observed: 1 variant allele, 1 heterozygote.
Comment: This study involves interpretation of variants in research participants for the purpose of population health screening. Participant phenotype was not available at the time of variant classification. Additional details can be found in publication PMID: 35346344, PMCID: PMC8962531

Ambry Genetics
Classification: Likely benign for Cardiovascular phenotype. Last evaluated: 2023-02-16. Review status: criteria provided, single submitter. Criteria: Ambry Variant Classification Scheme 2023. Collection method: clinical testing. Allele origin: germline.

Color Diagnostics, LLC DBA Color Health
Classification: Likely benign for Cardiomyopathy. Last evaluated: 2018-11-27. Review status: criteria provided, single submitter. Criteria: ACMG Guidelines, 2015. Collection method: clinical testing. Allele origin: germline.